The following is an entry in ClinVar:

NC_000002.11:g.(?_1418181)_(1418294_?)del

Gene: TPO (thyroid peroxidase; plus strand). Cytogenetic location: 2p25.3.
Variant type: Deletion.
Identifiers: ClinVar variation 3247466 (VCV003247466.1).

ClinVar aggregate classification (germline): Pathogenic (1 of 4 stars; one submission).

Submission:

Labcorp Genetics (formerly Invitae), Labcorp
Classification: Pathogenic. Last evaluated: 2024-01-09. Review status: criteria provided, single submitter. Criteria: Invitae Variant Classification Sherloc (09022015). Collection method: clinical testing. Allele origin: unknown.
Comment: This variant is a gross deletion of the genomic region encompassing exon(s) 2 of the TPO gene, which includes the initiator codon. This deletion extends beyond the assayed region for this gene and therefore may encompass additional genes. It is expected to result in an absent or disrupted protein product. Loss-of-function variants in TPO are known to be pathogenic (PMID: 11061528, 23236987, 25564141). This variant has not been reported in the literature in individuals affected with TPO-related conditions. For these reasons, this variant has been classified as Pathogenic.

Literature cited by the submitters: PubMed 11061528; PubMed 23236987; PubMed 25564141.